The following is an entry in ClinVar:

NM_000901.5(NR3C2):c.2834C>G (p.Thr945Ser)

Gene: NR3C2 (nuclear receptor subfamily 3 group C member 2; minus strand). Cytogenetic location: 4q31.23.
Variant type: single nucleotide variant.
Coding change: c.2834C>G on transcript NM_000901.5 (MANE Select); coding-DNA position 2834, C replaced by G.
Protein change: p.Thr945Ser; replaces threonine 945 with serine.
Molecular consequence: missense variant. On other transcripts: non-coding transcript variant (1).
Genome position (GRCh38, 1-based): chr4:148,081,465, G>C on the plus strand (C>G on the coding strand, the complement: NR3C2 is on the minus strand). VCF-style: chr4-148081465-G-C. GRCh37 (hg19) VCF-style: chr4-149002616-G-C.
Other names: c.2483C>G, p.Thr828Ser (NM_001166104.2, NM_001354819.1); c.2834C>G, p.Thr945Ser (NM_001437654.1, NM_001437655.1, NM_001437656.1); c.2846C>G, p.Thr949Ser (NM_001437657.1); short protein forms T828S, T945S, T949S.
Identifiers: ClinVar variation 4996486 (VCV004996486.1).

ClinVar aggregate classification (germline): Uncertain significance (1 of 4 stars; one submission).

Conditions:
NR3C2-related disorder. Also called: NR3C2-related disorders; NR3C2-related condition.

Submission:

PreventionGenetics, part of Exact Sciences
Classification: Uncertain significance for NR3C2-related condition. Last evaluated: 2026-07-30. Review status: criteria provided, single submitter. Criteria: ACMG Guidelines, 2015. Collection method: clinical testing. Allele origin: germline.
Comment: The NR3C2 c.2834C>G variant is predicted to result in the amino acid substitution p.Thr945Ser. To our knowledge, this variant has not been reported in the literature or in a large population database (gnomAD), indicating this variant is rare. At this time, the clinical significance of this variant is uncertain due to the absence of conclusive functional and genetic evidence.